The following is an entry in ClinVar:

NM_020738.4(KIDINS220):c.3529-5G>T

Gene: KIDINS220 (kinase D interacting substrate 220; minus strand). Cytogenetic location: 2p25.1.
Variant type: single nucleotide variant.
Coding change: c.3529-5G>T on transcript NM_020738.4 (MANE Select); 5 bases into the intron before coding-DNA position 3529, G replaced by T.
Molecular consequence: intron variant.
Genome position (GRCh38, 1-based): chr2:8,747,206, C>A on the plus strand (G>T on the coding strand, the complement: KIDINS220 is on the minus strand). VCF-style: chr2-8747206-C-A. GRCh37 (hg19) VCF-style: chr2-8887336-C-A.
Other names: NR_145965.2:n.3584+2906G>T; c.3414+2906G>T (NM_001348741.2, NM_001348742.2, NM_001348743.2 and 1 more transcripts); c.3528+681G>T (NM_001348738.2, NM_001348732.2); c.3417+2906G>T (NM_001348739.2, NM_001348740.2, NM_001348734.2); c.3531+681G>T (NM_001348731.2); c.3532-5G>T (NM_001348729.2); c.3288+2906G>T (NM_001348736.2).
Identifiers: ClinVar variation 2500966 (VCV002500966.2), dbSNP rs2527586148, ClinGen allele CA2573332083.
Genomic context (GRCh38, chr2:8,747,206, plus strand): 5'-CTCGAGGAGTCTGTGGGTGAAGAAAGCCCCTCAGCAGCATCCTCCTTGATAACTTCCTAA[C>A]AACACAAAACAGGAGAGTGTGGGTGAAAAGGGGAAGGGGGGAGCCAAACTGTGAAGACAA-3'

ClinVar aggregate classification (germline): Uncertain significance. Review status: criteria provided, multiple submitters, no conflicts (2 of 4 stars). 2 submissions from 2 submitters: Uncertain significance (2). Last evaluated 2024-07-25.

Conditions:
Spastic paraplegia, intellectual disability, nystagmus, and obesity. Also called: Spastic paraplegia, intellectual disability, nystagmus, and obesity;. Identifiers: Orphanet 521390, MedGen C4284592, MONDO:0015007, OMIM 617296.

Submissions (2):

GeneDx
Classification: Uncertain significance. Last evaluated: 2024-07-25. Review status: criteria provided, single submitter. Criteria: GeneDx Variant Classification Process June 2021. Collection method: clinical testing. Allele origin: germline. Affected: yes.
Comment: Not observed at significant frequency in large population cohorts (gnomAD); In silico analysis indicates that this variant does not alter splicing; Has not been previously published as pathogenic or benign to our knowledge

Broad Center for Mendelian Genomics, Broad Institute of MIT and Harvard
Classification: Uncertain significance for Spastic paraplegia, intellectual disability, nystagmus, and obesity. Last evaluated: 2023-05-02. Review status: criteria provided, single submitter. Criteria: ACMG Guidelines, 2015. Collection method: curation. Allele origin: germline. Inheritance: Autosomal dominant inheritance.
Comment: Trio exome analysis showed this variant to be de novo. The c.3529-5G>T variant in KIDINS220 has not been previously reported in individuals with spastic paraplegia, intellectual disability, nystagmus, and obesity (SINO). This variant was absent from large population studies. This variant is located in the 3' splice region. Computational tools predict a splicing impact, though this information is not predictive enough to determine pathogenicity. In summary, the clinical significance of the c.3529-5G>T variant is uncertain. ACMG/AMP Criteria applied: PS2_Supporting, PM2_Supporting, PP3 (Richards 2015).